The following is an entry in ClinVar:

NM_017988.6(SCYL2):c.2330del (p.Met777fs)

Gene: SCYL2 (SCY1 like pseudokinase 2; plus strand). Cytogenetic location: 12q23.1.
Variant type: Deletion.
Coding change: c.2330del on transcript NM_017988.6 (MANE Select); coding-DNA position 2330, one base deleted (T; older notation c.2330delT).
Protein change: p.Met777fs; shifts the reading frame from methionine 777.
Molecular consequence: frameshift variant.
Genome position (GRCh38, 1-based): chr12:100,338,712, T deleted. VCF-style (leftmost placement, unchanged base first): chr12-100338711-AT-A. GRCh37 (hg19) VCF-style: chr12-100732489-AT-A.
Other names: c.2330del, p.Met777fs (NM_001317784.2); c.2342del, p.Met781fs (NM_001330253.2, NM_001330254.2); c.1823del, p.Met608fs (NM_001330256.2); short protein forms M608fs, M777fs, M781fs.
Identifiers: ClinVar variation 4292525 (VCV004292525.1).

ClinVar aggregate classification (germline): Likely pathogenic (1 of 4 stars; one submission).

Conditions:
Arthrogryposis multiplex congenita 4, neurogenic, with agenesis of the corpus callosum. Also called: ARTHROGRYPOSIS MULTIPLEX CONGENITA, NEUROGENIC, WITH AGENESIS OF THE CORPUS CALLOSUM; ZAIN SYNDROME. Identifiers: MedGen C5231494, MONDO:0032903, OMIM 618766.

Submission:

3billion
Classification: Likely pathogenic for Arthrogryposis multiplex congenita 4, neurogenic, with agenesis of the corpus callosum. Last evaluated: 2024-09-23. Review status: criteria provided, single submitter. Criteria: ACMG Guidelines, 2015. Collection method: clinical testing. Allele origin: germline. Affected: yes.
Comment: The variant is not observed in the gnomAD v4.0.0 dataset. Predicted Consequence/Location: Frameshift: predicted to result in a loss or disruption of normal protein function through protein truncation. The predicted truncated protein may be shortened by more than 10%. Therefore, this variant is classified as Likely pathogenic according to the recommendation of ACMG/AMP guideline.